The following is an entry in ClinVar:

ClinVar aggregate classification (germline): Uncertain significance. Review status: criteria provided, single submitter (1 of 4 stars). 3 submissions from 3 submitters: Uncertain significance (1). 2 of the submissions do not count toward it. Last evaluated 2018-10-15.

Conditions:
Spondylometaphyseal dysplasia - Sutcliffe type. Also called: Spondylometaphyseal Dysplasia, Corner Fracture Type; Sutcliffe type of spondylometaphyseal dysplasia; Sutcliffe SMD; Spondylometaphyseal dysplasia, 'corner fracture' type. Identifiers: Orphanet 93315, MedGen C0432221, MONDO:0008479, OMIM 184255.
Spondylometaphyseal dysplasia. Identifiers: Orphanet 254, MedGen C4759767, MONDO:0016763, HP:0002657.

Submissions (3):

SIB Swiss Institute of Bioinformatics
Classification: Uncertain significance for Spondylometaphyseal dysplasia - Sutcliffe type. Last evaluated: 2018-10-15. Review status: criteria provided, single submitter. Criteria: ACMG Guidelines, 2015. Collection method: curation. Allele origin: de novo.
Comment: This variant is interpreted as Uncertain Significance - Insufficient Evidence, for Spondylometaphyseal dysplasia, corner fracture type, autosomal dominant. The following ACMG Tag(s) were applied: PM6 => Assumed de novo, but without confirmation of paternity and maternity (PubMed 29100092). PM2 => Absent from controls (or at extremely low frequency if recessive) in Exome Sequencing Project, 1000 Genomes Project, or Exome Aggregation Consortium.

CHU Sainte-Justine Research Center, University of Montreal
Classification: Likely pathogenic for Spondylometaphyseal dysplasia. Last evaluated: 2017-02-25. Review status: no assertion criteria provided. Collection method: research. Allele origin: germline. Affected: yes. Not counted in ClinVar's aggregate classification.
Comment: 6 Individuals with novel FN1 mutations and spondylometaphyseal dysplasia

GeneReviews
No classification provided. Condition: Spondylometaphyseal dysplasia - Sutcliffe type. Review status: no classification provided. Collection method: literature only. Allele origin: germline. Not counted in ClinVar's aggregate classification.

Literature cited by the submitters: PubMed 29100092 (cited by SIB Swiss Institute of Bioinformatics and GeneReviews); PubMed 32200603 (cited by GeneReviews).

NM_212482.4(FN1):c.2422ACA[1] (p.Thr809del)

Gene: FN1 (fibronectin 1; minus strand). Cytogenetic location: 2q35.
Variant type: Microsatellite.
Coding change: c.2422ACA[1] on transcript NM_212482.4 (MANE Select); one copy of the 3-base unit ACA starting at c.2422; the reference has two copies in a row; one copy, 3 bases deleted; also written c.2425_2427del.
Protein change: p.Thr809del; deletes threonine 809.
Molecular consequence: inframe deletion.
Genome position (GRCh38, 1-based): chr2:215,408,299-215,408,301, TGT deleted on the plus strand (ACA on the coding strand, the reverse complement: FN1 is on the minus strand); deleting any 3 consecutive bases within chr2:215,408,299-215,408,305 gives the same sequence; the position shown is the placement nearest the transcript's 3' end. VCF-style (leftmost placement, unchanged base first): chr2-215408298-CTGT-C. GRCh37 (hg19) VCF-style: chr2-216273021-CTGT-C.
Other names: c.2425_2427del (NM_212482.3); c.2422ACA[1], p.Thr809del (NM_001306129.2, NM_001306130.2, NM_001306131.2 and 13 more transcripts); short protein forms T809del.
Identifiers: ClinVar variation 424648 (VCV000424648.3), dbSNP rs1553636502, ClinGen allele CA658653762.